The following is an entry in ClinVar:

ClinVar aggregate classification (germline): Benign/Likely benign. Review status: criteria provided, multiple submitters, no conflicts (2 of 4 stars). 3 submissions from 3 submitters: Benign (1); Likely benign (2). Last evaluated 2025-11-03.

Conditions:
Dyskeratosis congenita, autosomal dominant 6 (DKCA6). Identifiers: Orphanet 3322, MedGen C4225284, MONDO:0014690, OMIM 616553.

Allele frequency attached by ClinVar (database versions not stated): 1000 Genomes Project 0.01518; 1000 Genomes Project 30x 0.01608; TOPMed 0.02895; gnomAD 0.02931 and 0.03001.

Submissions (3):

Labcorp Genetics (formerly Invitae), Labcorp
Classification: Benign for Dyskeratosis congenita, autosomal dominant 6. Last evaluated: 2025-11-03. Review status: criteria provided, single submitter. Criteria: Invitae Variant Classification Sherloc (09022015). Collection method: clinical testing. Allele origin: germline.

GeneDx
Classification: Likely benign. Last evaluated: 2019-04-03. Review status: criteria provided, single submitter. Criteria: GeneDx Variant Classification Process June 2021. Collection method: clinical testing. Allele origin: germline. Affected: yes.
Comment: This variant is associated with the following publications: (PMID: 15744531)

Breakthrough Genomics
Classification: Likely benign. Review status: criteria provided, single submitter. Criteria: ACMG Guidelines, 2015. Collection method: not provided. Allele origin: germline. Inheritance: Autosomal dominant inheritance. Affected: yes.

NC_000016.10:g.67660703A>G

Gene: ACD (ACD shelterin complex subunit and telomerase recruitment factor; minus strand). Cytogenetic location: 16q22.1.
Variant type: single nucleotide variant.
Genome position: GRCh38 VCF-style: chr16-67660703-A-G. GRCh37 (hg19) VCF-style: chr16-67694606-A-G.
Identifiers: ClinVar variation 1170359 (VCV001170359.11), dbSNP rs72547496, ClinGen allele CA14285079.
Genomic context (GRCh38, chr16:67,660,703, plus strand): 5'-TATTTATTATGACTCAGTTTCCTCATCTACACAGTGCACGGTCTTGTAAGGCCAGTGGAA[A>G]TAAGAGCACACACACAGCGCTAAATAAATGGTACTTCCTTCGCCCTCCCCTCGGATTGGC-3'